The following is an entry in ClinVar:

ClinVar aggregate classification (germline): Pathogenic/Likely pathogenic. Review status: criteria provided, multiple submitters, no conflicts (2 of 4 stars). 2 submissions from 2 submitters: Pathogenic (1); Likely pathogenic (1). Last evaluated 2023-07-14.

Conditions:
Bethlem myopathy 1A. Also called: Bethlem Muscular Dystrophy; MYOPATHY, BENIGN CONGENITAL, WITH CONTRACTURES; Bethlem myopathy 1. Identifiers: Orphanet 610, MedGen CN029274, MONDO:0024530, OMIM 158810.

Submissions (2):

Labcorp Genetics (formerly Invitae), Labcorp
Classification: Pathogenic for Bethlem myopathy 1A. Last evaluated: 2023-07-14. Review status: criteria provided, single submitter. Criteria: Invitae Variant Classification Sherloc (09022015). Collection method: clinical testing. Allele origin: germline.
Comment: For these reasons, this variant has been classified as Pathogenic. Algorithms developed to predict the effect of sequence changes on RNA splicing suggest that this variant may disrupt the consensus splice site. ClinVar contains an entry for this variant (Variation ID: 289788). Disruption of this splice site has been observed in individuals with autosomal dominant COL6A2-related conditions (PMID: 15689448, 25204870, 34167565). This variant is not present in population databases (gnomAD no frequency). This sequence change affects an acceptor splice site in intron 9 of the COL6A2 gene. It is expected to disrupt RNA splicing. Variants that disrupt the donor or acceptor splice site typically lead to a loss of protein function (PMID: 16199547), and loss-of-function variants in COL6A2 are known to be disease-causing for autosomal recessive COL6A2-related conditions (PMID: 21280092, 20976770). However, certain variants affecting donor or acceptor splice sites in the triple helical domain of COL6A2 are expected to result in in-frame exon skipping and have been reported to cause autosomal dominant COL6A2-related conditions (PMID: 18366090).

Eurofins Ntd Llc (ga)
Classification: Likely pathogenic. Last evaluated: 2016-07-22. Review status: criteria provided, single submitter. Criteria: EGL Classification Definitions 2015. Collection method: clinical testing. Allele origin: germline. Observed: 1 variant allele, 1 heterozygote.

Literature cited by the submitters: PubMed 15689448 (cited by Labcorp Genetics (formerly Invitae), Labcorp); PubMed 25204870 (cited by Labcorp Genetics (formerly Invitae), Labcorp); PubMed 34167565 (cited by Labcorp Genetics (formerly Invitae), Labcorp); PubMed 16199547 (cited by Labcorp Genetics (formerly Invitae), Labcorp); PubMed 21280092 (cited by Labcorp Genetics (formerly Invitae), Labcorp); PubMed 20976770 (cited by Labcorp Genetics (formerly Invitae), Labcorp); PubMed 18366090 (cited by Labcorp Genetics (formerly Invitae), Labcorp).

NM_001849.4(COL6A2):c.955-1G>A

Gene: COL6A2 (collagen type VI alpha 2 chain; plus strand). Cytogenetic location: 21q22.3.
Variant type: single nucleotide variant.
Coding change: c.955-1G>A on transcript NM_001849.4 (MANE Select); the canonical splice acceptor site of the intron before coding-DNA position 955, G replaced by A.
Molecular consequence: splice acceptor variant.
Genome position (GRCh38, 1-based): chr21:46,116,769, G>A. VCF-style: chr21-46116769-G-A. GRCh37 (hg19) VCF-style: chr21-47536683-G-A.
Other names: c.955-1G>A (NM_058175.3, NM_058174.3).
Identifiers: ClinVar variation 289788 (VCV000289788.9), dbSNP rs886044265, ClinGen allele CA10606550.